The following is an entry in ClinVar:

ClinVar aggregate classification (germline): Uncertain significance. Review status: criteria provided, multiple submitters, no conflicts (2 of 4 stars). 2 submissions from 2 submitters: Uncertain significance (2). Last evaluated 2025-06-30.

Conditions:
Dilated cardiomyopathy 2B. Identifiers: Orphanet 154, MedGen C3553409, MONDO:0013848, OMIM 614672.
Cardiovascular phenotype. Identifiers: MedGen CN230736.

Allele frequency attached by ClinVar (database versions not stated): gnomAD exomes 0.00001; TOPMed 0.00003.
gnomAD v4.1: 9 of 1,252,734 alleles (0.00072%); highest among the groups gnomAD compares: Non-Finnish European, 0.0009%; no homozygotes.

Submissions (2):

Labcorp Genetics (formerly Invitae), Labcorp
Classification: Uncertain significance for Dilated cardiomyopathy 2B. Last evaluated: 2025-06-30. Review status: criteria provided, single submitter. Criteria: Invitae Variant Classification Sherloc (09022015). Collection method: clinical testing. Allele origin: germline.
Comment: This sequence change replaces alanine, which is neutral and non-polar, with threonine, which is neutral and polar, at codon 62 of the GATAD1 protein (p.Ala62Thr). This variant is not present in population databases (gnomAD no frequency). This variant has not been reported in the literature in individuals affected with GATAD1-related conditions. ClinVar contains an entry for this variant (Variation ID: 1012067). An algorithm developed to predict the effect of missense changes on protein structure and function outputs the following: PolyPhen-2: "Benign". The threonine amino acid residue is found in multiple mammalian species, which suggests that this missense change does not adversely affect protein function. In summary, the available evidence is currently insufficient to determine the role of this variant in disease. Therefore, it has been classified as a Variant of Uncertain Significance.

Ambry Genetics
Classification: Uncertain significance for Cardiovascular phenotype. Last evaluated: 2024-07-20. Review status: criteria provided, single submitter. Criteria: Ambry Variant Classification Scheme 2023. Collection method: clinical testing. Allele origin: germline.
Comment: The p.A62T variant (also known as c.184G>A), located in coding exon 1 of the GATAD1 gene, results from a G to A substitution at nucleotide position 184. The alanine at codon 62 is replaced by threonine, an amino acid with similar properties. This amino acid position is conserved. In addition, this alteration is predicted to be tolerated by in silico analysis. Since supporting evidence is limited at this time, the clinical significance of this alteration remains unclear.

NM_021167.5(GATAD1):c.184G>A (p.Ala62Thr)

Genes: GATAD1 (GATA zinc finger domain containing 1; plus strand), LOC129998793 (ATAC-STARR-seq lymphoblastoid silent region 18371; plus strand). Cytogenetic location: 7q21.2.
Variant type: single nucleotide variant.
Coding change: c.184G>A on transcript NM_021167.5 (MANE Select); coding-DNA position 184, G replaced by A.
Protein change: p.Ala62Thr; replaces alanine 62 with threonine.
Molecular consequence: missense variant. On other transcripts: non-coding transcript variant (1).
Genome position (GRCh38, 1-based): chr7:92,447,913, G>A. VCF-style: chr7-92447913-G-A. GRCh37 (hg19) VCF-style: chr7-92077227-G-A.
Other names: short protein forms A62T.
Identifiers: ClinVar variation 1012067 (VCV001012067.12), dbSNP rs1445688677, ClinGen allele CA368155548.